The following is an entry in ClinVar:

NM_004360.5(CDH1):c.1273G>C (p.Val425Leu)

Gene: CDH1 (cadherin 1; plus strand). Cytogenetic location: 16q22.1.
Variant type: single nucleotide variant.
Coding change: c.1273G>C on transcript NM_004360.5 (MANE Select); coding-DNA position 1273, G replaced by C.
Protein change: p.Val425Leu; replaces valine 425 with leucine.
Molecular consequence: missense variant. On other transcripts: 5 prime UTR variant (2), intron variant (1).
Genome position (GRCh38, 1-based): chr16:68,813,448, G>C. VCF-style: chr16-68813448-G-C. GRCh37 (hg19) VCF-style: chr16-68847351-G-C.
Other names: c.1273G>C (LRG_301t1); c.-343G>C (NM_001317185.2); c.-547G>C (NM_001317186.2); c.1137+1185G>C (NM_001317184.2); short protein forms V425L.
Identifiers: ClinVar variation 463706 (VCV000463706.15), dbSNP rs570930882, ClinGen allele CA8130029.

ClinVar aggregate classification (germline): Uncertain significance. Review status: criteria provided, multiple submitters, no conflicts (2 of 4 stars). 4 submissions from 4 submitters: Uncertain significance (4). Last evaluated 2024-06-17.

Conditions:
Hereditary cancer-predisposing syndrome. Also called: Hereditary neoplastic syndrome; Neoplastic Syndromes, Hereditary; Tumor predisposition; Hereditary Cancer Syndrome. Identifiers: Orphanet 140162, MedGen C0027672, MeSH D009386, MONDO:0015356.
Hereditary diffuse gastric adenocarcinoma (HDGC). Also called: DIFFUSE GASTRIC AND LOBULAR BREAST CANCER SYNDROME. Identifiers: Orphanet 26106, MedGen C1708349, MONDO:0007648, OMIM 137215.
Familial cancer of breast. Also called: BREAST CANCER, FAMILIAL; hereditary breast carcinoma; Hereditary breast cancer. Identifiers: Orphanet 227535, MedGen C0346153, MONDO:0016419, OMIM 114480. Disease mechanism: loss of function.

gnomAD v4.1: 1 of 1,614,142 alleles (0.000062%); highest among the groups gnomAD compares: Non-Finnish European, 0.000085%; no homozygotes.

Submissions (4):

Ambry Genetics
Classification: Uncertain significance for Hereditary cancer-predisposing syndrome. Last evaluated: 2024-06-17. Review status: criteria provided, single submitter. Criteria: Ambry Variant Classification Scheme 2023. Collection method: clinical testing. Allele origin: germline.
Comment: The p.V425L variant (also known as c.1273G>C), located in coding exon 9 of the CDH1 gene, results from a G to C substitution at nucleotide position 1273. The valine at codon 425 is replaced by leucine, an amino acid with highly similar properties. This amino acid position is not well conserved in available vertebrate species. In addition, this alteration is predicted to be tolerated by in silico analysis. Based on the available evidence, the clinical significance of this variant remains unclear.

Baylor Genetics
Classification: Uncertain significance for Familial cancer of breast. Last evaluated: 2024-01-16. Review status: criteria provided, single submitter. Criteria: ACMG Guidelines, 2015. Collection method: clinical testing. Allele origin: unknown.

Labcorp Genetics (formerly Invitae), Labcorp
Classification: Uncertain significance for Hereditary diffuse gastric adenocarcinoma. Last evaluated: 2023-10-22. Review status: criteria provided, single submitter. Criteria: Invitae Variant Classification Sherloc (09022015). Collection method: clinical testing. Allele origin: germline.
Comment: This sequence change replaces valine, which is neutral and non-polar, with leucine, which is neutral and non-polar, at codon 425 of the CDH1 protein (p.Val425Leu). This variant is present in population databases (rs570930882, gnomAD 0.01%). This variant has not been reported in the literature in individuals affected with CDH1-related conditions. ClinVar contains an entry for this variant (Variation ID: 463706). An algorithm developed to predict the effect of missense changes on protein structure and function (PolyPhen-2) suggests that this variant is likely to be disruptive. In summary, the available evidence is currently insufficient to determine the role of this variant in disease. Therefore, it has been classified as a Variant of Uncertain Significance.

Color Diagnostics, LLC DBA Color Health
Classification: Uncertain significance for Hereditary cancer-predisposing syndrome. Last evaluated: 2019-04-09. Review status: criteria provided, single submitter. Criteria: ACMG Guidelines, 2015. Collection method: clinical testing. Allele origin: germline.